The following is an entry in ClinVar:

NM_000497.4(CYP11B1):c.61del (p.Ala21fs)

Genes: CYP11B1 (cytochrome P450 family 11 subfamily B member 1; minus strand), LOC110673972 (CYP11B1 promoter; plus strand). Cytogenetic location: 8q24.3.
Variant type: Deletion.
Coding change: c.61del on transcript NM_000497.4 (MANE Select); coding-DNA position 61, one base deleted (G; older notation c.61delG).
Protein change: p.Ala21fs; shifts the reading frame from alanine 21.
Molecular consequence: frameshift variant.
Genome position (GRCh38, 1-based): chr8:142,879,753, C deleted on the plus strand (G on the coding strand, the reverse complement: CYP11B1 is on the minus strand); the first of 3 consecutive C bases (chr8:142,879,753-142,879,755); deleting any one gives the same sequence. VCF-style (leftmost placement, unchanged base first): chr8-142879752-GC-G. GRCh37 (hg19) VCF-style: chr8-143961168-GC-G.
Other names: c.61del, p.Ala21fs (NM_001026213.1); short protein forms A21fs.
Identifiers: ClinVar variation 3764094 (VCV003764094.2).

ClinVar aggregate classification (germline): Likely pathogenic (1 of 4 stars; one submission).

Conditions:
Deficiency of steroid 11-beta-monooxygenase (CYP11B1). Also called: P450C11B1 DEFICIENCY; ADRENAL HYPERPLASIA, CONGENITAL, DUE TO STEROID 11-BETA-HYDROXYLASE DEFICIENCY; 11-BETA-HYDROXYLASE DEFICIENCY; STEROID 11-BETA-HYDROXYLASE DEFICIENCY; Congenital adrenal hyperplasia due to 11-beta-hydroxylase deficiency; ADRENAL HYPERPLASIA IV. Identifiers: Orphanet 90795, MedGen C0268292, MONDO:0008729, OMIM 202010. Disease mechanism: loss of function.

Submission:

Department of Obstetrics and Gynecology, Sichuan Jinxin Women and Children's Hospital
Classification: Likely pathogenic for Deficiency of steroid 11-beta-monooxygenase. Review status: criteria provided, single submitter. Criteria: ACMG Guidelines, 2015. Collection method: clinical testing. Allele origin: biparental. Inheritance: Autosomal recessive inheritance. Affected: yes. Observed: 1 compound heterozygote.
Comment: The c.61del variant in CYP11B1 led to early termination of translation and a shortened peptide chain(PVS1). The Genome Aggregation Database did not provide information on the approximate frequency of the variant in different populations(PM2_Supporting). In summary, the c.61del variant meets our criteria to be classified as likely pathogenic.

Literature cited by the submitters: PubMed 18294861; PubMed 30223866.